The following is an entry in ClinVar:

ClinVar aggregate classification (germline): Uncertain significance (1 of 4 stars; one submission).

Submission:

GeneDx
Classification: Uncertain significance. Last evaluated: 2023-11-30. Review status: criteria provided, single submitter. Criteria: GeneDx Variant Classification Process June 2021. Collection method: clinical testing. Allele origin: germline. Affected: yes.
Comment: Not observed at significant frequency in large population cohorts (gnomAD); In silico analysis suggests this variant may impact gene splicing. In the absence of RNA/functional studies, the actual effect of this sequence change is unknown; Has not been previously published as pathogenic or benign to our knowledge

NM_006035.4(CDC42BPB):c.4710-3C>T

Gene: CDC42BPB (CDC42 binding protein kinase beta; minus strand). Cytogenetic location: 14q32.32.
Variant type: single nucleotide variant.
Coding change: c.4710-3C>T on transcript NM_006035.4 (MANE Select); 3 bases into the intron before coding-DNA position 4710, C replaced by T.
Molecular consequence: intron variant.
Genome position (GRCh38, 1-based): chr14:102,939,730, G>A on the plus strand (C>T on the coding strand, the complement: CDC42BPB is on the minus strand). VCF-style: chr14-102939730-G-A. GRCh37 (hg19) VCF-style: chr14-103406067-G-A.
Other names: c.4632-3C>T (NM_001411054.1).
Identifiers: ClinVar variation 3365033 (VCV003365033.1).